The following is an entry in ClinVar:

ClinVar aggregate classification (germline): Pathogenic/Likely pathogenic. Review status: criteria provided, multiple submitters, no conflicts (2 of 4 stars). 4 submissions from 4 submitters: Pathogenic (2); Likely pathogenic (2). Last evaluated 2024-01-31.

Conditions:
ATM-related disorder. Also called: ATM-related disorders; ATM-related condition.
Familial cancer of breast. Also called: Hereditary breast cancer; BREAST CANCER, FAMILIAL; hereditary breast carcinoma. Identifiers: Orphanet 227535, MedGen C0346153, MONDO:0016419, OMIM 114480. Disease mechanism: loss of function.
Ataxia-telangiectasia syndrome (AT). Also called: ATAXIA-TELANGIECTASIA, COMPLEMENTATION GROUP A; ATAXIA-TELANGIECTASIA, FRESNO VARIANT; Ataxia-telangiectasia; Ataxia-telangiectasia, complementation group D; AT, COMPLEMENTATION GROUP C; Ataxia-telangiectasia, complementation group E. Identifiers: Orphanet 100, MedGen C0004135, MONDO:0008840, OMIM 208900.

Submissions (4):

Myriad Genetics, Inc.
Classification: Pathogenic for Familial cancer of breast. Last evaluated: 2024-01-31. Review status: criteria provided, single submitter. Criteria: Myriad Autosomal Dominant, Autosomal Recessive and X-Linked Classification Criteria (2023). Collection method: clinical testing. Allele origin: unknown.
Comment: This variant is considered pathogenic. This variant creates a frameshift predicted to result in premature protein truncation.

Blueprint Genetics
Classification: Likely pathogenic for ATM-related disorders. Last evaluated: 2023-09-14. Review status: criteria provided, single submitter. Criteria: ACMG Guidelines, 2015. Collection method: clinical testing. Allele origin: germline. Affected: yes. Observed: 1 variant allele.

Labcorp Genetics (formerly Invitae), Labcorp
Classification: Pathogenic for Ataxia-telangiectasia syndrome. Last evaluated: 2019-08-13. Review status: criteria provided, single submitter. Criteria: Invitae Variant Classification Sherloc (09022015). Collection method: clinical testing. Allele origin: germline.
Comment: This sequence change creates a premature translational stop signal (p.Gln2414Leufs*3) in the ATM gene. It is expected to result in an absent or disrupted protein product. This variant is not present in population databases (ExAC no frequency). This variant has been observed in an individual affected with ataxia telangiectasia (PMID: 9450906). This variant is also known as 7240del4 in the literature. Loss-of-function variants in ATM are known to be pathogenic (PMID: 23807571, 25614872). For these reasons, this variant has been classified as Pathogenic.

Hadassah Hebrew University Medical Center
Classification: Likely pathogenic for Ataxia-telangiectasia syndrome; Familial cancer of breast. Last evaluated: 2019-06-20. Review status: criteria provided, single submitter. Criteria: ACMG Guidelines, 2015. Collection method: clinical testing. Allele origin: germline. Inheritance: Autosomal recessive inheritance. Affected: yes.

Literature cited by the submitters: PubMed 9450906 (cited by Labcorp Genetics (formerly Invitae), Labcorp); PubMed 23807571 (cited by Labcorp Genetics (formerly Invitae), Labcorp); PubMed 25614872 (cited by Labcorp Genetics (formerly Invitae), Labcorp).

NM_000051.4(ATM):c.7241_7244del (p.Gln2414fs)

Genes: ATM (ATM serine/threonine kinase; plus strand), C11orf65 (chromosome 11 open reading frame 65; minus strand). Cytogenetic location: 11q22.3.
Variant type: Microsatellite.
Coding change: c.7241_7244del on transcript NM_000051.4 (MANE Select); coding-DNA positions 7241 to 7244, 4 bases deleted (AAGC; older notation c.7241_7244delAAGC).
Protein change: p.Gln2414fs; shifts the reading frame from glutamine 2414.
Molecular consequence: frameshift variant. On other transcripts: intron variant (2).
Genome position (GRCh38, 1-based): chr11:108,329,172-108,329,175, AAGC deleted; deleting any 4 consecutive bases within chr11:108,329,167-108,329,175 gives the same sequence; the c. name uses the placement nearest the transcript's 3' end. VCF-style (leftmost placement, unchanged base first): chr11-108329166-ACAAG-A. GRCh37 (hg19) VCF-style: chr11-108199893-ACAAG-A.
Other names: c.7241_7244del (NM_000051.3); c.7241_7244del, p.Gln2414fs (NM_001351834.2); c.641-20099_641-20096del (NM_001330368.2); c.*38+6050_*38+6053del (NM_001351110.2); short protein forms Q2414fs.
Identifiers: ClinVar variation 804462 (VCV000804462.15), dbSNP rs1591151678, ClinGen allele CA915948277.